The following is an entry in ClinVar:

NM_020738.4(KIDINS220):c.4083G>A (p.Ser1361=)

Gene: KIDINS220 (kinase D interacting substrate 220; minus strand). Cytogenetic location: 2p25.1.
Variant type: single nucleotide variant.
Coding change: c.4083G>A on transcript NM_020738.4 (MANE Select); coding-DNA position 4083, G replaced by A.
Protein change: p.Ser1361=; no amino-acid change (serine 1361 retained).
Molecular consequence: synonymous variant. On other transcripts: intron variant (6).
Genome position (GRCh38, 1-based): chr2:8,731,953, C>T on the plus strand (G>A on the coding strand, the complement: KIDINS220 is on the minus strand). VCF-style: chr2-8731953-C-T. GRCh37 (hg19) VCF-style: chr2-8872083-C-T.
Other names: c.4086G>A, p.Ser1362= (NM_001348729.2); c.4029G>A, p.Ser1343= (NM_001348731.2); c.4026G>A, p.Ser1342= (NM_001348732.2); c.3915G>A, p.Ser1305= (NM_001348734.2); c.3912G>A, p.Ser1304= (NM_001348735.2); c.3786G>A, p.Ser1262= (NM_001348736.2); c.3882+1491G>A (NM_001348741.2, NM_001348742.2, NM_001348743.2); c.3996+1491G>A (NM_001348738.2); and 2 more.
Identifiers: ClinVar variation 2414077 (VCV002414077.10), dbSNP rs374173644, ClinGen allele CA1519421.

ClinVar aggregate classification (germline): Likely benign. Review status: criteria provided, multiple submitters, no conflicts (2 of 4 stars). 3 submissions from 3 submitters: Likely benign (2). 1 of the submissions does not count toward it. Last evaluated 2025-09-08.

Conditions:
KIDINS220-related disorder. Also called: KIDINS220-related condition.

Allele frequency attached by ClinVar (database versions not stated): gnomAD 0.00001; TOPMed 0.00001; gnomAD exomes 0.00006; ExAC 0.00013.
gnomAD v4.1: 90 of 1,595,298 alleles (0.0056%); highest among the groups gnomAD compares: South Asian, 0.094%; no homozygotes.

Submissions (3):

Labcorp Genetics (formerly Invitae), Labcorp
Classification: Likely benign. Last evaluated: 2025-09-08. Review status: criteria provided, single submitter. Criteria: Invitae Variant Classification Sherloc (09022015). Collection method: clinical testing. Allele origin: germline.

Blueprint Genetics
Classification: Likely benign. Last evaluated: 2022-01-20. Review status: criteria provided, single submitter. Criteria: ACMG Guidelines, 2015. Collection method: clinical testing. Allele origin: germline.

PreventionGenetics, part of Exact Sciences
Classification: Likely benign for KIDINS220-related condition. Last evaluated: 2021-07-13. Review status: no assertion criteria provided. Collection method: clinical testing. Allele origin: germline. Not counted in ClinVar's aggregate classification.
Comment: This variant is classified as likely benign based on ACMG/AMP sequence variant interpretation guidelines (Richards et al. 2015 PMID: 25741868, with internal and published modifications).